The following is an entry in ClinVar:

NM_001283009.2(RTEL1):c.1149C>G (p.Phe383Leu)

Genes: RTEL1 (regulator of telomere elongation helicase 1; plus strand), RTEL1-TNFRSF6B (RTEL1-TNFRSF6B readthrough (NMD candidate); plus strand). Cytogenetic location: 20q13.33.
Variant type: single nucleotide variant.
Coding change: c.1149C>G on transcript NM_001283009.2 (MANE Select); coding-DNA position 1149, C replaced by G.
Protein change: p.Phe383Leu; replaces phenylalanine 383 with leucine.
Molecular consequence: missense variant. On other transcripts: non-coding transcript variant (1).
Genome position (GRCh38, 1-based): chr20:63,680,677, C>G. VCF-style: chr20-63680677-C-G. GRCh37 (hg19) VCF-style: chr20-62312030-C-G.
Other names: c.480C>G, p.Phe160Leu (NM_001283010.1); c.1149C>G, p.Phe383Leu (NM_016434.4); c.1221C>G, p.Phe407Leu (NM_032957.5); short protein forms F160L, F383L, F407L.
Identifiers: ClinVar variation 3756030 (VCV003756030.2).

ClinVar aggregate classification (germline): Uncertain significance (1 of 4 stars; one submission).

Conditions:
Pulmonary fibrosis and/or bone marrow failure, Telomere-related, 3. Also called: PULMONARY FIBROSIS AND/OR BONE MARROW FAILURE SYNDROME, TELOMERE-RELATED, 3. Identifiers: Orphanet 2032, MedGen C4225346, MONDO:0014613, OMIM 616373.
Dyskeratosis congenita, autosomal recessive 5 (DKCB5). Identifiers: MedGen C3554656, MONDO:0014076, OMIM 615190.

Submission:

Labcorp Genetics (formerly Invitae), Labcorp
Classification: Uncertain significance for Dyskeratosis congenita, autosomal recessive 5; Pulmonary fibrosis and/or bone marrow failure, Telomere-related, 3. Last evaluated: 2024-02-05. Review status: criteria provided, single submitter. Criteria: Invitae Variant Classification Sherloc (09022015). Collection method: clinical testing. Allele origin: germline.
Comment: This sequence change replaces phenylalanine, which is neutral and non-polar, with leucine, which is neutral and non-polar, at codon 383 of the RTEL1 protein (p.Phe383Leu). This variant is not present in population databases (gnomAD no frequency). This variant has not been reported in the literature in individuals affected with RTEL1-related conditions. Algorithms developed to predict the effect of missense changes on protein structure and function output the following: SIFT: "Not Available"; PolyPhen-2: "Benign"; Align-GVGD: "Not Available". The leucine amino acid residue is found in multiple mammalian species, which suggests that this missense change does not adversely affect protein function. In summary, the available evidence is currently insufficient to determine the role of this variant in disease. Therefore, it has been classified as a Variant of Uncertain Significance.